The following is an entry in ClinVar:

ClinVar aggregate classification (germline): Uncertain significance. Review status: criteria provided, multiple submitters, no conflicts (2 of 4 stars). 3 submissions from 3 submitters: Uncertain significance (3). Last evaluated 2024-09-23.

Conditions:
DICER1-related tumor predisposition. Also called: DICER1-related pleuropulmonary blastoma cancer predisposition syndrome; DICER1 syndrome. Identifiers: Orphanet 284343, MedGen C3839822, MONDO:0100216.
Hereditary cancer-predisposing syndrome. Also called: Tumor predisposition; Neoplastic Syndromes, Hereditary; Hereditary Cancer Syndrome; Hereditary neoplastic syndrome. Identifiers: Orphanet 140162, MedGen C0027672, MeSH D009386, MONDO:0015356.

Allele frequency attached by ClinVar (database versions not stated): gnomAD 0.00001.
gnomAD v4.1: 1 of 1,614,040 alleles (0.000062%); highest among the groups gnomAD compares: African/African-American, 0.0013%; no homozygotes.

Submissions (3):

Labcorp Genetics (formerly Invitae), Labcorp
Classification: Uncertain significance for DICER1-related tumor predisposition. Last evaluated: 2024-09-23. Review status: criteria provided, single submitter. Criteria: Invitae Variant Classification Sherloc (09022015). Collection method: clinical testing. Allele origin: germline.
Comment: This sequence change replaces asparagine, which is neutral and polar, with threonine, which is neutral and polar, at codon 588 of the DICER1 protein (p.Asn588Thr). This variant is present in population databases (no rsID available, gnomAD 0.01%). This variant has not been reported in the literature in individuals affected with DICER1-related conditions. ClinVar contains an entry for this variant (Variation ID: 1779615). Invitae Evidence Modeling of protein sequence and biophysical properties (such as structural, functional, and spatial information, amino acid conservation, physicochemical variation, residue mobility, and thermodynamic stability) indicates that this missense variant is not expected to disrupt DICER1 protein function with a negative predictive value of 80%. In summary, the available evidence is currently insufficient to determine the role of this variant in disease. Therefore, it has been classified as a Variant of Uncertain Significance.

Quest Diagnostics Nichols Institute San Juan Capistrano
Classification: Uncertain significance. Last evaluated: 2024-08-12. Review status: criteria provided, single submitter. Criteria: Quest Diagnostics criteria. Collection method: clinical testing. Allele origin: unknown.
Comment: The DICER1 c.1763A>C (p.Asn588Thr) variant has not been reported in individuals with DICER1-related conditions in the published literature. The frequency of this variant in the general population, 0.000032 (1/31400 chromosomes (Genome Aggregation Database)), is uninformative in the assessment of its pathogenicity. Analysis of this variant using bioinformatics tools for the prediction of the effect of amino acid changes on protein structure and function yielded conflicting predictions that this variant is deleterious or benign. Based on the available information, we are unable to determine the clinical significance of this variant.

Ambry Genetics
Classification: Uncertain significance for Hereditary cancer-predisposing syndrome. Last evaluated: 2022-09-19. Review status: criteria provided, single submitter. Criteria: Ambry Variant Classification Scheme 2023. Collection method: clinical testing. Allele origin: germline.
Comment: The p.N588T variant (also known as c.1763A>C), located in coding exon 10 of the DICER1 gene, results from an A to C substitution at nucleotide position 1763. The asparagine at codon 588 is replaced by threonine, an amino acid with similar properties. This amino acid position is conserved. In addition, this alteration is predicted to be tolerated by in silico analysis. Since supporting evidence is limited at this time, the clinical significance of this alteration remains unclear.

NM_177438.3(DICER1):c.1763A>C (p.Asn588Thr)

Gene: DICER1 (dicer 1, ribonuclease III; minus strand). Cytogenetic location: 14q32.13.
Variant type: single nucleotide variant.
Coding change: c.1763A>C on transcript NM_177438.3 (MANE Select); coding-DNA position 1763, A replaced by C.
Protein change: p.Asn588Thr; replaces asparagine 588 with threonine.
Molecular consequence: missense variant. On other transcripts: non-coding transcript variant (6).
Genome position (GRCh38, 1-based): chr14:95,115,811, T>G on the plus strand (A>C on the coding strand, the complement: DICER1 is on the minus strand). VCF-style: chr14-95115811-T-G. GRCh37 (hg19) VCF-style: chr14-95582148-T-G.
Other names: c.1763A>C, p.Asn588Thr (NM_001195573.1, NM_001271282.3, NM_001291628.2 and 13 more transcripts); c.1481A>C, p.Asn494Thr (NM_001395686.1); c.1358A>C, p.Asn453Thr (NM_001395687.1, NM_001395688.1, NM_001395689.1 and 3 more transcripts); c.1196A>C, p.Asn399Thr (NM_001395691.1); c.80A>C, p.Asn27Thr (NM_001395697.1); short protein forms N399T, N494T, N453T, N588T, N27T.
Identifiers: ClinVar variation 1779615 (VCV001779615.7), dbSNP rs1251715969, ClinGen allele CA390884186.